The following is an entry in ClinVar:

ClinVar aggregate classification (germline): Likely benign (1 of 4 stars; one submission).

Allele frequency attached by ClinVar (database versions not stated): gnomAD exomes below 0.00001.
gnomAD v4.1: 1 of 1,575,826 alleles (0.000063%); highest among the groups gnomAD compares: Non-Finnish European, 0.000086%; no homozygotes.

Submission:

CeGaT Center for Human Genetics Tuebingen
Classification: Likely benign. Last evaluated: 2022-11-01. Review status: criteria provided, single submitter. Criteria: CeGaT Center For Human Genetics Tuebingen Variant Classification Criteria Version 2. Collection method: clinical testing. Allele origin: germline. Affected: yes. Observed: 1 variant allele.
Comment: KNTC1: PM2:Supporting, BP4, BP7

NM_014708.6(KNTC1):c.6378T>C (p.Ser2126=)

Gene: KNTC1 (kinetochore associated 1; plus strand). Cytogenetic location: 12q24.31.
Variant type: single nucleotide variant.
Coding change: c.6378T>C on transcript NM_014708.6 (MANE Select); coding-DNA position 6378, T replaced by C.
Protein change: p.Ser2126=; no amino-acid change (serine 2126 retained).
Molecular consequence: synonymous variant.
Genome position (GRCh38, 1-based): chr12:122,622,470, T>C. VCF-style: chr12-122622470-T-C. GRCh37 (hg19) VCF-style: chr12-123107017-T-C.
Identifiers: ClinVar variation 2643503 (VCV002643503.24), dbSNP rs2547513740, ClinGen allele CA482223589.
Genomic context (GRCh38, chr12:122,622,470, plus strand): 5'-CTGATTCTAATAGATTAGAAGTCTGATCTTAATGATACCTGTCATTCTATAGATTAGAAG[T>C]CTGATTTTGAATAATATCATCAATAAGAAGGAGTTTGGGATTTTGGCAAAGACCAAATAC-3'
Protein context (NP_055523.1, residues 2116-2136): QLAGFSHQIR[Ser2126=]LILNNIINKK